The following is an entry in ClinVar:

ClinVar aggregate classification (germline): Uncertain significance (1 of 4 stars; one submission).

Submission:

Women's Health and Genetics/Laboratory Corporation of America, LabCorp
Classification: Uncertain significance. Last evaluated: 2026-05-19. Review status: criteria provided, single submitter. Criteria: LabCorp Variant Classification Summary - May 2015. Collection method: clinical testing. Allele origin: germline.
Comment: Variant summary: COL7A1 c.3412G>T (p.Val1138Leu) results in a conservative amino acid change in the encoded protein sequence. Algorithms developed to predict the effect of missense changes on protein structure and function all suggest that this variant is likely to be tolerated. The variant was absent in 251360 control chromosomes. The available data on variant occurrences in the general population are insufficient to allow any conclusion about variant significance. To our knowledge, no occurrence of c.3412G>T in individuals affected with COL7A1-related conditions and no experimental evidence demonstrating its impact on protein function have been reported. No submitters have cited clinical-significance assessments for this variant to ClinVar. Based on the evidence outlined above, the variant was classified as uncertain significance.

NM_000094.4(COL7A1):c.3412G>T (p.Val1138Leu)

Gene: COL7A1 (collagen type VII alpha 1 chain; minus strand). Cytogenetic location: 3p21.31.
Variant type: single nucleotide variant.
Coding change: c.3412G>T on transcript NM_000094.4 (MANE Select); coding-DNA position 3412, G replaced by T.
Protein change: p.Val1138Leu; replaces valine 1138 with leucine.
Molecular consequence: missense variant.
Genome position (GRCh38, 1-based): chr3:48,586,470, C>A on the plus strand (G>T on the coding strand, the complement: COL7A1 is on the minus strand). VCF-style: chr3-48586470-C-A. GRCh37 (hg19) VCF-style: chr3-48623903-C-A.
Other names: short protein forms V1138L.
Identifiers: ClinVar variation 4853794 (VCV004853794.1).